The following is an entry in ClinVar:

ClinVar aggregate classification (germline): Uncertain significance. Review status: criteria provided, multiple submitters, no conflicts (2 of 4 stars). 2 submissions from 2 submitters: Uncertain significance (2). Last evaluated 2025-07-12.

Conditions:
Inborn genetic diseases. Identifiers: MedGen C0950123, MeSH D030342.
Fanconi anemia (FA). Also called: Fanconi's anemia. Identifiers: Orphanet 84, MedGen C0015625, MeSH D005199, MONDO:0019391.

Allele frequency attached by ClinVar (database versions not stated): gnomAD 0.00001; gnomAD exomes 0.00001; ExAC 0.00003.
gnomAD v4.1: 8 of 1,613,676 alleles (0.0005%); highest among the groups gnomAD compares: South Asian, 0.0055%; no homozygotes.

Submissions (2):

Ambry Genetics
Classification: Uncertain significance for Inborn genetic diseases. Last evaluated: 2025-07-12. Review status: criteria provided, single submitter. Criteria: Ambry Variant Classification Scheme 2023. Collection method: clinical testing. Allele origin: germline.

Labcorp Genetics (formerly Invitae), Labcorp
Classification: Uncertain significance for Fanconi anemia. Last evaluated: 2023-12-09. Review status: criteria provided, single submitter. Criteria: Invitae Variant Classification Sherloc (09022015). Collection method: clinical testing. Allele origin: germline.
Comment: This sequence change replaces serine, which is neutral and polar, with proline, which is neutral and non-polar, at codon 1121 of the SLX4 protein (p.Ser1121Pro). This variant is present in population databases (rs778724281, gnomAD 0.02%). This variant has not been reported in the literature in individuals affected with SLX4-related conditions. Algorithms developed to predict the effect of missense changes on protein structure and function output the following: SIFT: "Not Available"; PolyPhen-2: "Probably Damaging"; Align-GVGD: "Not Available". The proline amino acid residue is found in multiple mammalian species, which suggests that this missense change does not adversely affect protein function. In summary, the available evidence is currently insufficient to determine the role of this variant in disease. Therefore, it has been classified as a Variant of Uncertain Significance.

NM_032444.4(SLX4):c.3361T>C (p.Ser1121Pro)

Gene: SLX4 (SLX4 structure-specific endonuclease subunit; minus strand). Cytogenetic location: 16p13.3.
Variant type: single nucleotide variant.
Coding change: c.3361T>C on transcript NM_032444.4 (MANE Select); coding-DNA position 3361, T replaced by C.
Protein change: p.Ser1121Pro; replaces serine 1121 with proline.
Molecular consequence: missense variant.
Genome position (GRCh38, 1-based): chr16:3,590,277, A>G on the plus strand (T>C on the coding strand, the complement: SLX4 is on the minus strand). VCF-style: chr16-3590277-A-G. GRCh37 (hg19) VCF-style: chr16-3640278-A-G.
Other names: short protein forms S1121P.
Identifiers: ClinVar variation 2720104 (VCV002720104.4), dbSNP rs778724281, ClinGen allele CA7865936.
Genomic context (GRCh38, chr16:3,590,277, plus strand): 5'-ATTTCTGAGATCTGGAGCTCGAATGGTCAGGATTTGACTGGGTTAGGTCAATAGACGGAG[A>G]TTTTTCTGGGAACATCAGGACCCCCTTATTTCTGCACTCCAGCACGGACCGACGCTCTTT-3'
Protein context (NP_115820.2, residues 1111-1131): NKGVLMFPEK[Ser1121Pro]PSIDLTQSNP